The following is an entry in ClinVar:

ClinVar aggregate classification (germline): Likely benign. Review status: criteria provided, multiple submitters, no conflicts (2 of 4 stars). 6 submissions from 6 submitters: Likely benign (6). Last evaluated 2025-09-06.

Conditions:
Cardiomyopathy (CMYO). Also called: Cardiomyopathies. Identifiers: Orphanet 167848, MedGen C0878544, MONDO:0004994, HP:0001638. Inheritance: Various modes of inheritance.
Catecholaminergic polymorphic ventricular tachycardia (CVPT). Also called: Catecholamine-induced polymorphic ventricular tachycardia. Identifiers: Orphanet 3286, MedGen C5574922, MONDO:0017990.
Catecholaminergic polymorphic ventricular tachycardia 1. Also called: VENTRICULAR TACHYCARDIA, STRESS-INDUCED POLYMORPHIC 1; VENTRICULAR TACHYCARDIA, CATECHOLAMINERGIC POLYMORPHIC, 1, WITH OR WITHOUT ATRIAL DYSFUNCTION AND/OR DILATED CARDIOMYOPATHY; RYR2-Related Catecholaminergic Polymorphic Ventricular Tachycardia. Identifiers: Orphanet 3286, MedGen C1631597, MONDO:0011484, OMIM 604772.
Cardiovascular phenotype. Identifiers: MedGen CN230736.

Allele frequency attached by ClinVar (database versions not stated): gnomAD 0.00001; gnomAD exomes 0.00001; TOPMed 0.00001.
gnomAD v4.1: 21 of 1,607,016 alleles (0.0013%); highest among the groups gnomAD compares: Middle Eastern, 0.017%; 1 homozygote.

Submissions (6):

Labcorp Genetics (formerly Invitae), Labcorp
Classification: Likely benign for Catecholaminergic polymorphic ventricular tachycardia 1. Last evaluated: 2025-09-06. Review status: criteria provided, single submitter. Criteria: Invitae Variant Classification Sherloc (09022015). Collection method: clinical testing. Allele origin: germline.

Blueprint Genetics
Classification: Likely benign. Last evaluated: 2024-09-12. Review status: criteria provided, single submitter. Criteria: ACMG Guidelines, 2015. Collection method: clinical testing. Allele origin: germline.

CeGaT Center for Human Genetics Tuebingen
Classification: Likely benign. Last evaluated: 2024-07-01. Review status: criteria provided, single submitter. Criteria: CeGaT Center For Human Genetics Tuebingen Variant Classification Criteria Version 2. Collection method: clinical testing. Allele origin: germline. Affected: yes. Observed: 1 variant allele.
Comment: RYR2: BP4, BP7

All of Us Research Program, National Institutes of Health
Classification: Likely benign for Catecholaminergic polymorphic ventricular tachycardia. Last evaluated: 2023-05-04. Review status: criteria provided, single submitter. Criteria: ACMG Guidelines, 2015. Collection method: clinical testing. Allele origin: germline. Inheritance: Autosomal dominant inheritance. Observed: 1 variant allele, 1 heterozygote.
Comment: This study involves interpretation of variants in research participants for the purpose of population health screening. Participant phenotype was not available at the time of variant classification. Additional details can be found in publication PMID: 35346344, PMCID: PMC8962531

Ambry Genetics
Classification: Likely benign for Cardiovascular phenotype. Last evaluated: 2022-09-05. Review status: criteria provided, single submitter. Criteria: Ambry Variant Classification Scheme 2023. Collection method: clinical testing. Allele origin: germline.

Color Diagnostics, LLC DBA Color Health
Classification: Likely benign for Cardiomyopathy. Last evaluated: 2020-02-04. Review status: criteria provided, single submitter. Criteria: ACMG Guidelines, 2015. Collection method: clinical testing. Allele origin: germline.

NM_001035.3(RYR2):c.6534C>T (p.Val2178=)

Gene: RYR2 (ryanodine receptor 2; plus strand). Cytogenetic location: 1q43.
Variant type: single nucleotide variant.
Coding change: c.6534C>T on transcript NM_001035.3 (MANE Select); coding-DNA position 6534, C replaced by T.
Protein change: p.Val2178=; no amino-acid change (valine 2178 retained).
Molecular consequence: synonymous variant.
Genome position (GRCh38, 1-based): chr1:237,631,520, C>T. VCF-style: chr1-237631520-C-T. GRCh37 (hg19) VCF-style: chr1-237794820-C-T.
Other names: c.6534C>T, p.Val2178= (LRG_402t1).
Identifiers: ClinVar variation 463619 (VCV000463619.36), dbSNP rs904724019, ClinGen allele CA39842010.